The following is an entry in ClinVar:

NM_006509.4(RELB):c.337C>G (p.Arg113Gly)

Gene: RELB (RELB proto-oncogene, NF-kB subunit; plus strand). Cytogenetic location: 19q13.32.
Variant type: single nucleotide variant.
Coding change: c.337C>G on transcript NM_006509.4 (MANE Select); coding-DNA position 337, C replaced by G.
Protein change: p.Arg113Gly; replaces arginine 113 with glycine.
Molecular consequence: missense variant.
Genome position (GRCh38, 1-based): chr19:45,012,109, C>G. VCF-style: chr19-45012109-C-G. GRCh37 (hg19) VCF-style: chr19-45515367-C-G.
Other names: c.328C>G, p.Arg110Gly (NM_001411087.1); short protein forms R113G, R110G.
Identifiers: ClinVar variation 2730556 (VCV002730556.3), dbSNP rs762653462, ClinGen allele CA9507534.

ClinVar aggregate classification (germline): Uncertain significance (1 of 4 stars; one submission).

Allele frequency attached by ClinVar (database versions not stated): gnomAD exomes 0.00001.
gnomAD v4.1: 4 of 1,555,192 alleles (0.00026%); highest among the groups gnomAD compares: Non-Finnish European, 0.00035%; no homozygotes.

Submission:

Labcorp Genetics (formerly Invitae), Labcorp
Classification: Uncertain significance. Last evaluated: 2025-05-26. Review status: criteria provided, single submitter. Criteria: Invitae Variant Classification Sherloc (09022015). Collection method: clinical testing. Allele origin: germline.
Comment: This sequence change replaces arginine, which is basic and polar, with glycine, which is neutral and non-polar, at codon 113 of the RELB protein (p.Arg113Gly). This variant is present in population databases (rs762653462, gnomAD 0.001%). This variant has not been reported in the literature in individuals affected with RELB-related conditions. ClinVar contains an entry for this variant (Variation ID: 2730556). An algorithm developed to predict the effect of missense changes on protein structure and function (PolyPhen-2) suggests that this variant is likely to be tolerated. In summary, the available evidence is currently insufficient to determine the role of this variant in disease. Therefore, it has been classified as a Variant of Uncertain Significance.